The following is an entry in ClinVar:

NM_003482.4(KMT2D):c.3326_3336del (p.Ala1109fs)

Gene: KMT2D (lysine methyltransferase 2D; minus strand). Cytogenetic location: 12q13.12.
Variant type: Microsatellite.
Coding change: c.3326_3336del on transcript NM_003482.4 (MANE Select); coding-DNA positions 3326 to 3336, 11 bases deleted (CCCCAGCCCTG).
Protein change: p.Ala1109fs; shifts the reading frame from alanine 1109.
Molecular consequence: frameshift variant.
Genome position (GRCh38, 1-based): chr12:49,050,252-49,050,262, CAGGGCTGGGG deleted on the plus strand (CCCCAGCCCTG on the coding strand, the reverse complement: KMT2D is on the minus strand); deleting any 11 consecutive bases within chr12:49,050,252-49,050,273 gives the same sequence; the c. name uses the placement nearest the transcript's 3' end. VCF-style (leftmost placement, unchanged base first): chr12-49050251-CCAGGGCTGGGG-C. GRCh37 (hg19) VCF-style: chr12-49444034-CCAGGGCTGGGG-C.
Other names: c.3326_3336delCCCCAGCCCTG (NM_003482.3); short protein forms A1109fs.
Identifiers: ClinVar variation 582622 (VCV000582622.11), dbSNP rs1565813691, ClinGen allele CA891843489.

ClinVar aggregate classification (germline): Pathogenic. Review status: criteria provided, multiple submitters, no conflicts (2 of 4 stars). 3 submissions from 3 submitters: Pathogenic (2). 1 of the submissions does not count toward it. Last evaluated 2022-05-22.

Conditions:
Kabuki syndrome 1 (KABUK1). Also called: KMT2D-Related Kabuki Syndrome. Identifiers: Orphanet 2322, MedGen CN030661, MONDO:0007843, OMIM 147920.
Kabuki syndrome. Also called: Kabuki make-up syndrome; NIIKAWA-KUROKI SYNDROME. Identifiers: Orphanet 2322, MedGen C0796004, MONDO:0016512.

Submissions (3):

3billion
Classification: Pathogenic for Kabuki syndrome 1. Last evaluated: 2022-05-22. Review status: criteria provided, single submitter. Criteria: ACMG Guidelines, 2015. Collection method: clinical testing. Allele origin: germline. Affected: yes. Observed: 1 heterozygote.
Comment: The deletion creates a frameshift variant, which is expected to cause a loss of normal protein function via nonsense-mediated mRNA decay. This variant has been reported as pathogenic/likely pathogenic (ClinVar ID: VCV000582622, PMID:27302555). It has been reported with an extremely low frequency in the gnomAD v2.1.1 dataset. Therefore, this variant is classified as pathogenic according to the recommendation of ACMG/AMP guideline.

Labcorp Genetics (formerly Invitae), Labcorp
Classification: Pathogenic for Kabuki syndrome. Last evaluated: 2018-02-16. Review status: criteria provided, single submitter. Criteria: Invitae Variant Classification Sherloc (09022015). Collection method: clinical testing. Allele origin: germline.
Comment: For these reasons, this variant has been classified as Pathogenic. Loss-of-function variants in KMT2D are known to be pathogenic (PMID: 22126750). This variant has been reported to be de novo in an individual affected with Kabuki syndrome (PMID: 27302555). This variant is not present in population databases (ExAC no frequency). This sequence change creates a premature translational stop signal (p.Ala1109Glyfs*2) in the KMT2D gene. It is expected to result in an absent or disrupted protein product.

Autoinflammatory diseases unit, CHU de Montpellier
Classification: Pathogenic for Kabuki syndrome 1. Last evaluated: 2018-02-15. Review status: no assertion criteria provided. Collection method: clinical testing. Allele origin: de novo. Affected: yes. Not counted in ClinVar's aggregate classification.

Literature cited by the submitters: PubMed 27302555 (cited by 3 submitters); PubMed 22126750 (cited by Labcorp Genetics (formerly Invitae), Labcorp).